The following is an entry in ClinVar:

ClinVar aggregate classification (germline): Uncertain significance (1 of 4 stars; one submission).

Conditions:
Idiopathic generalized epilepsy. Also called: EIG; Generalised epilepsy. Identifiers: MedGen C0270850, MONDO:0005579, OMIM 600669.

Allele frequency attached by ClinVar (database versions not stated): gnomAD exomes below 0.00001; gnomAD 0.00001.
gnomAD v4.1: 2 of 1,613,518 alleles (0.00012%); highest among the groups gnomAD compares: Admixed American, 0.0017%; no homozygotes.

Submission:

Labcorp Genetics (formerly Invitae), Labcorp
Classification: Uncertain significance for Idiopathic generalized epilepsy. Last evaluated: 2018-11-03. Review status: criteria provided, single submitter. Criteria: Invitae Variant Classification Sherloc (09022015). Collection method: clinical testing. Allele origin: germline.
Comment: In summary, the available evidence is currently insufficient to determine the role of this variant in disease. Therefore, it has been classified as a Variant of Uncertain Significance. Algorithms developed to predict the effect of missense changes on protein structure and function (SIFT, PolyPhen-2, Align-GVGD) all suggest that this variant is likely to be tolerated, but these predictions have not been confirmed by published functional studies and their clinical significance is uncertain. This variant has not been reported in the literature in individuals with CACNB4-related disease. This variant is not present in population databases (ExAC no frequency). This sequence change replaces proline with threonine at codon 486 of the CACNB4 protein (p.Pro486Thr). The proline residue is moderately conserved and there is a small physicochemical difference between proline and threonine.

NM_000726.5(CACNB4):c.1456C>A (p.Pro486Thr)

Gene: CACNB4 (calcium voltage-gated channel auxiliary subunit beta 4; minus strand). Cytogenetic location: 2q23.3.
Variant type: single nucleotide variant.
Coding change: c.1456C>A on transcript NM_000726.5 (MANE Select); coding-DNA position 1456, C replaced by A.
Protein change: p.Pro486Thr; replaces proline 486 with threonine.
Molecular consequence: missense variant.
Genome position (GRCh38, 1-based): chr2:151,839,226, G>T on the plus strand (C>A on the coding strand, the complement: CACNB4 is on the minus strand). VCF-style: chr2-151839226-G-T. GRCh37 (hg19) VCF-style: chr2-152695740-G-T.
Other names: c.1402C>A, p.Pro468Thr (NM_001005746.4); c.1354C>A, p.Pro452Thr (NM_001005747.4); c.1270C>A, p.Pro424Thr (NM_001145798.3); c.1315C>A, p.Pro439Thr (NM_001320722.3, NM_001330118.2); c.1213C>A, p.Pro405Thr (NM_001330113.2); c.802C>A, p.Pro268Thr (NM_001330114.2); c.1165C>A, p.Pro389Thr (NM_001330115.2); c.1126C>A, p.Pro376Thr (NM_001330116.2); and 1 more; short protein forms P376T, P452T, P468T, P405T, P424T, P439T, P268T, P300T.
Identifiers: ClinVar variation 663302 (VCV000663302.8), dbSNP rs1351243423, ClinGen allele CA348811091.
Genomic context (GRCh38, chr2:151,839,226, plus strand): 5'-GGTTCCTATGGGGTTTGTAAGTGTCCTGGTATGAGTCAGGGTAATCTTCTTCCACAAGAG[G>T]GTAATGATCTCGGCTATGCTGAGAACTGGAAGACAAGCGGTTCCTACTCTTCCGAGCCCT-3'
Protein context (NP_000717.2, residues 476-496): SSSQHSRDHY[Pro486Thr]LVEEDYPDSY